The following is an entry in ClinVar:

NM_001352702.2(PTK2):c.645C>T (p.Val215=)

Gene: PTK2 (protein tyrosine kinase 2; minus strand). Cytogenetic location: 8q24.3.
Variant type: single nucleotide variant.
Coding change: c.645C>T on transcript NM_001352702.2 (MANE Select); coding-DNA position 645, C replaced by T.
Protein change: p.Val215=; no amino-acid change (valine 215 retained).
Molecular consequence: synonymous variant. On other transcripts: 5 prime UTR variant (1), non-coding transcript variant (4).
Genome position (GRCh38, 1-based): chr8:140,830,475, G>A on the plus strand (C>T on the coding strand, the complement: PTK2 is on the minus strand). VCF-style: chr8-140830475-G-A. GRCh37 (hg19) VCF-style: chr8-141840574-G-A.
Other names: c.645C>T, p.Val215= (NM_001199649.2, NM_001352694.2, NM_001352695.2 and 31 more transcripts); c.306C>T, p.Val102= (NM_001316342.2, NM_001352696.2, NM_001352730.2 and 12 more transcripts); c.777C>T, p.Val259= (NM_001352697.2); c.684C>T, p.Val228= (NM_001352698.2, NM_001352705.2); c.243C>T, p.Val81= (NM_001352735.2, NM_001352742.2, NM_001352746.2); c.342C>T, p.Val114= (NM_001352736.2); c.-995C>T (NM_001352747.2); c.711C>T, p.Val237= (NM_005607.5).
Identifiers: ClinVar variation 769746 (VCV000769746.29), dbSNP rs148611560, ClinGen allele CA4895875.

ClinVar aggregate classification (germline): Benign. Review status: criteria provided, multiple submitters, no conflicts (2 of 4 stars). 3 submissions from 3 submitters: Benign (3). Last evaluated 2023-11-01.

Allele frequency attached by ClinVar (database versions not stated): 1000 Genomes Project 0.00080; 1000 Genomes Project 30x 0.00094; ESP Exome Variant Server 0.00163; gnomAD exomes 0.00173; gnomAD 0.00186 and 0.00190; TOPMed 0.00207; ExAC 0.00288.
gnomAD v4.1: 3,196 of 1,532,690 alleles (0.21%); highest among the groups gnomAD compares: Admixed American, 0.25%; 6 homozygotes.

Submissions (3):

CeGaT Center for Human Genetics Tuebingen
Classification: Benign. Last evaluated: 2023-11-01. Review status: criteria provided, single submitter. Criteria: CeGaT Center For Human Genetics Tuebingen Variant Classification Criteria Version 2. Collection method: clinical testing. Allele origin: germline. Affected: yes. Observed: 2 variant alleles.
Comment: PTK2: BS1, BS2

Labcorp Genetics (formerly Invitae), Labcorp
Classification: Benign. Last evaluated: 2019-12-31. Review status: criteria provided, single submitter. Criteria: Invitae Variant Classification Sherloc (09022015). Collection method: clinical testing. Allele origin: germline.

Breakthrough Genomics
Classification: Benign. Review status: criteria provided, single submitter. Criteria: ACMG Guidelines, 2015. Collection method: not provided. Allele origin: germline. Inheritance: Unknown mechanism. Affected: yes.